The following is an entry in ClinVar:

ClinVar aggregate classification (germline): Likely benign (1 of 4 stars; one submission).

Submission:

CeGaT Center for Human Genetics Tuebingen
Classification: Likely benign. Last evaluated: 2025-08-01. Review status: criteria provided, single submitter. Criteria: CeGaT Center For Human Genetics Tuebingen Variant Classification Criteria Version 2. Collection method: clinical testing. Allele origin: germline. Affected: yes. Observed: 1 variant allele.
Comment: GPC3: PM2:Supporting, BP4, BP7

NM_004484.4(GPC3):c.489A>G (p.Val163=)

Gene: GPC3 (glypican 3; minus strand). Cytogenetic location: Xq26.2.
Variant type: single nucleotide variant.
Coding change: c.489A>G on transcript NM_004484.4 (MANE Select); coding-DNA position 489, A replaced by G.
Protein change: p.Val163=; no amino-acid change (valine 163 retained).
Molecular consequence: synonymous variant.
Genome position (GRCh38, 1-based): chrX:133,754,025, T>C on the plus strand (A>G on the coding strand, the complement: GPC3 is on the minus strand). VCF-style: chrX-133754025-T-C. GRCh37 (hg19) VCF-style: chrX-132888052-T-C.
Other names: c.489A>G, p.Val163= (NM_001164617.2); c.441A>G, p.Val147= (NM_001164618.2); c.327A>G, p.Val109= (NM_001164619.2).
Identifiers: ClinVar variation 4083923 (VCV004083923.8).